The following is an entry in ClinVar:

NM_014141.6(CNTNAP2):c.3549G>C (p.Gln1183His)

Gene: CNTNAP2 (contactin associated protein 2; plus strand). Cytogenetic location: 7q36.1.
Variant type: single nucleotide variant.
Coding change: c.3549G>C on transcript NM_014141.6 (MANE Select); coding-DNA position 3549, G replaced by C.
Protein change: p.Gln1183His; replaces glutamine 1183 with histidine.
Molecular consequence: missense variant.
Genome position (GRCh38, 1-based): chr7:148,383,722, G>C. VCF-style: chr7-148383722-G-C. GRCh37 (hg19) VCF-style: chr7-148080814-G-C.
Other names: short protein forms Q1183H.
Identifiers: ClinVar variation 588272 (VCV000588272.10), dbSNP rs1316112335, ClinGen allele CA369704449.

ClinVar aggregate classification (germline): Uncertain significance. Review status: criteria provided, multiple submitters, no conflicts (2 of 4 stars). 2 submissions from 2 submitters: Uncertain significance (2). Last evaluated 2021-08-31.

Conditions:
Inborn genetic diseases. Identifiers: MedGen C0950123, MeSH D030342.
Cortical dysplasia-focal epilepsy syndrome (PTHSL1). Also called: Pitt-Hopkins-like syndrome 1. Identifiers: Orphanet 163681, Orphanet 221150, MedGen C2750246, MONDO:0012400, OMIM 610042.

Allele frequency attached by ClinVar (database versions not stated): gnomAD exomes below 0.00001.
gnomAD v4.1: 3 of 1,614,218 alleles (0.00019%); highest among the groups gnomAD compares: Non-Finnish European, 0.00025%; no homozygotes.

Submissions (2):

Labcorp Genetics (formerly Invitae), Labcorp
Classification: Uncertain significance for Cortical dysplasia-focal epilepsy syndrome. Last evaluated: 2021-08-31. Review status: criteria provided, single submitter. Criteria: Invitae Variant Classification Sherloc (09022015). Collection method: clinical testing. Allele origin: germline.
Comment: This sequence change replaces glutamine with histidine at codon 1183 of the CNTNAP2 protein (p.Gln1183His). The glutamine residue is highly conserved and there is a small physicochemical difference between glutamine and histidine. This variant is not present in population databases (ExAC no frequency). This variant has not been reported in the literature in individuals affected with CNTNAP2-related conditions. ClinVar contains an entry for this variant (Variation ID: 588272). Algorithms developed to predict the effect of missense changes on protein structure and function are either unavailable or do not agree on the potential impact of this missense change (SIFT: "Deleterious"; PolyPhen-2: "Possibly Damaging"; Align-GVGD: "Class C0"). In summary, the available evidence is currently insufficient to determine the role of this variant in disease. Therefore, it has been classified as a Variant of Uncertain Significance.

Ambry Genetics
Classification: Uncertain significance for Inborn genetic diseases. Last evaluated: 2016-09-14. Review status: criteria provided, single submitter. Criteria: Ambry Variant Classification Scheme 2023. Collection method: clinical testing. Allele origin: germline.
Comment: The p.Q1183H variant (also known as c.3549G>C), located in coding exon 22 of the CNTNAP2 gene, results from a G to C substitution at nucleotide position 3549. The glutamine at codon 1183 is replaced by histidine, an amino acid with highly similar properties. This variant was not reported in population based cohorts in the following databases: Database of Single Nucleotide Polymorphisms (dbSNP), NHLBI Exome Sequencing Project (ESP), and 1000 Genomes Project. In the ESP, this variant was not observed in 6503 samples (13006 alleles) with coverage at this position. This amino acid position is highly conserved in available vertebrate species. In addition, the in silico prediction for this alteration is inconclusive. Since supporting evidence is limited at this time, the clinical significance of this variant remains unclear.